The following is an entry in ClinVar:

ClinVar aggregate classification (germline): Pathogenic/Likely pathogenic. Review status: criteria provided, multiple submitters, no conflicts (2 of 4 stars). 11 submissions from 10 submitters: Pathogenic (4); Likely pathogenic (5). 2 of the submissions do not count toward it. Last evaluated 2025-10-29.

Conditions:
Autosomal recessive Alport syndrome (ATS2). Also called: COL4A4 Alport Syndrome and Thin Basement Membrane Nephropathy; Alport syndrome type 2; COL4A3-Related Nephropathy; ALPORT SYNDROME 2, AUTOSOMAL RECESSIVE. Identifiers: Orphanet 63, Orphanet 88919, MedGen C4746745, MONDO:0008762, OMIM 203780.
Hematuria, benign familial, 1 (BFH1). Also called: THIN MEMBRANE NEPHROPATHY. Identifiers: MedGen CN376803, MONDO:0007709, OMIM 141200.
Benign familial hematuria. Also called: thin basement membrane disease. Identifiers: MedGen C0241908, MONDO:0957317.

Submissions (11):

Labcorp Genetics (formerly Invitae), Labcorp
Classification: Pathogenic. Last evaluated: 2025-10-29. Review status: criteria provided, single submitter. Criteria: Invitae Variant Classification Sherloc (09022015). Collection method: clinical testing. Allele origin: germline.
Comment: This sequence change affects a donor splice site in intron 9 of the COL4A4 gene. It is expected to disrupt RNA splicing. Variants that disrupt the donor or acceptor splice site typically lead to a loss of protein function (PMID: 16199547), and loss-of-function variants in COL4A4 are known to be pathogenic (PMID: 21196518, 24854265, 25307543). This variant is not present in population databases (gnomAD no frequency). Disruption of this splice site has been observed in individual(s) with clinical features of autosomal recessive Alport syndrome (internal data). In at least one individual the data is consistent with being in trans (on the opposite chromosome) from a pathogenic variant. ClinVar contains an entry for this variant (Variation ID: 438704). Algorithms developed to predict the effect of sequence changes on RNA splicing suggest that this variant may disrupt the consensus splice site. For these reasons, this variant has been classified as Pathogenic.

Fulgent Genetics
Classification: Likely pathogenic for Hematuria, benign familial, 1; Autosomal recessive Alport syndrome. Last evaluated: 2024-06-12. Review status: criteria provided, single submitter. Criteria: ACMG Guidelines, 2015. Collection method: clinical testing. Allele origin: germline.

GeneDx
Classification: Likely pathogenic. Last evaluated: 2023-05-22. Review status: criteria provided, single submitter. Criteria: GeneDx Variant Classification Process June 2021. Collection method: clinical testing. Allele origin: germline. Affected: yes.
Comment: Observed in the heterozygous state and observed with a second COL4A4 variant, phase unknown, in patients with features of Alport syndrome in published literature (Cerkauskaite et al., 2022); Canonical splice site variant predicted to result in in-frame deletion within a critical region. Variant damages or destroys the canonical splice donor site in intron 9, and is expected to cause abnormal gene splicing; if the splice outcome is exon skip, the loss of the encoded residues in the triple helical region is expected to disrupt normal protein folding and function; Not observed at significant frequency in large population cohorts (gnomAD); This variant is associated with the following publications: (PMID: 35419377)

ARUP Laboratories, Molecular Genetics and Genomics, ARUP Laboratories
Classification: Likely pathogenic. Last evaluated: 2023-05-10. Review status: criteria provided, single submitter. Criteria: ARUP Molecular Germline Variant Investigation Process 2024. Collection method: clinical testing. Allele origin: germline.
Comment: The COL4A4 c.594+1G>A variant (rs1553690565), to our knowledge, is not reported in the medical literature but is reported in ClinVar (Variation ID: 438704). This variant is absent from the Genome Aggregation Database, indicating it is not a common polymorphism. This variant disrupts the canonical splice donor site of intron 9, which is likely to negatively impact gene function. Different variants in this same intron (c.594+5G>A and c.595-1G>A) have been identified in patients with symptoms of Alport spectrum disorder (Horinouchi 2020 and Gao 2023). Based on available information, the c.594+1G>A variant is considered to be likely pathogenic. References: Gao Y et al. Identification of COL4A4 variants in Chinese patients with familial hematuria. Front Genet. 2023 Jan 9;13:1064491 PMID: 36699462 Horinouchi T et al. Heterozygous Urinary Abnormality-Causing Variants of COL4A3 and COL4A4 Affect Severity of Autosomal Recessive Alport Syndrome. Kidney360. 2020 Jul 16;1(9):936-942. PMID: 35369551

Institute of Human Genetics Munich, TUM University Hospital
Classification: Pathogenic for Hematuria, benign familial, 1. Last evaluated: 2022-10-18. Review status: criteria provided, single submitter. Criteria: Classification criteria August 2017. Collection method: clinical testing. Allele origin: germline. Inheritance: Autosomal dominant inheritance. Affected: yes. Observed: 1 variant allele.

Eurofins-Biomnis
Classification: Pathogenic for Autosomal recessive Alport syndrome. Last evaluated: 2022-10-14. Review status: criteria provided, single submitter. Criteria: Accession Criteria ClinVar Biomnis. Collection method: clinical testing. Allele origin: germline. Affected: yes. Observed: 1 heterozygote.

MGZ Medical Genetics Center
Classification: Pathogenic for Hematuria, benign familial, 1. Last evaluated: 2022-04-20. Review status: criteria provided, single submitter. Criteria: ACMG Guidelines, 2015. Collection method: clinical testing. Allele origin: germline. Affected: yes. Observed: 2 variant alleles.
Comment: ACMG criteria applied: PVS1, PM2_SUP, PP1

CENTOGENE GmbH and LLC - Guiding Precision Medicine
Classification: Likely pathogenic for Autosomal recessive Alport syndrome. Last evaluated: 2022-02-21. Review status: criteria provided, single submitter. Criteria: ACMG Guidelines, 2015. Collection method: clinical testing. Allele origin: germline. Affected: yes.

Fulgent Genetics
Classification: Likely pathogenic for Hematuria, benign familial, 1; Autosomal recessive Alport syndrome. Last evaluated: 2021-06-30. Review status: criteria provided, single submitter. Criteria: ACMG Guidelines, 2015. Collection method: clinical testing. Allele origin: unknown.
Comment: This variant has been detected in individual(s) who were sent for testing of Renasight - kidney gene panel.

Counsyl
Classification: Likely pathogenic for Autosomal recessive Alport syndrome. Last evaluated: 2017-09-12. Review status: no assertion criteria provided. Collection method: clinical testing. Allele origin: unknown. Not counted in ClinVar's aggregate classification.

Bioscientia Institut fuer Medizinische Diagnostik GmbH, Sonic Healthcare
Classification: Pathogenic for Autosomal recessive Alport syndrome. Last evaluated: 2017-04-20. Review status: no assertion criteria provided. Collection method: clinical testing. Allele origin: germline. Affected: yes. Not counted in ClinVar's aggregate classification.

Literature cited by the submitters: PubMed 16199547 (cited by Labcorp Genetics (formerly Invitae), Labcorp); PubMed 21196518 (cited by Labcorp Genetics (formerly Invitae), Labcorp); PubMed 24854265 (cited by Labcorp Genetics (formerly Invitae), Labcorp); PubMed 25307543 (cited by Labcorp Genetics (formerly Invitae), Labcorp).

NM_000092.5(COL4A4):c.594+1G>A

Gene: COL4A4 (collagen type IV alpha 4 chain; minus strand). Cytogenetic location: 2q36.3.
Variant type: single nucleotide variant.
Coding change: c.594+1G>A on transcript NM_000092.5 (MANE Select); the canonical splice donor site of the intron after coding-DNA position 594, G replaced by A.
Molecular consequence: splice donor variant.
Genome position (GRCh38, 1-based): chr2:227,111,677, C>T on the plus strand (G>A on the coding strand, the complement: COL4A4 is on the minus strand). VCF-style: chr2-227111677-C-T. GRCh37 (hg19) VCF-style: chr2-227976393-C-T.
Identifiers: ClinVar variation 438704 (VCV000438704.26), dbSNP rs1553690565, ClinGen allele CA350860171.
Genomic context (GRCh38, chr2:227,111,677, plus strand): 5'-ACGTGGATCATAGGCTATTTGAGGAGGAAATAGAAGCATAGAGCCTGCTCAGGAGACTTA[C>T]TGGTAAGCCAGGCAGTCCTGGGTCCCCTCTGTCTCCCTGCAAAAATAAGAATGCATTGCT-3'